The following is an entry in ClinVar:

NM_000130.5(F5):c.4397C>A (p.Pro1466His)

Gene: F5 (coagulation factor V; minus strand). Cytogenetic location: 1q24.2.
Variant type: single nucleotide variant.
Coding change: c.4397C>A on transcript NM_000130.5 (MANE Select); coding-DNA position 4397, C replaced by A.
Protein change: p.Pro1466His; replaces proline 1466 with histidine.
Molecular consequence: missense variant.
Genome position (GRCh38, 1-based): chr1:169,540,693, G>T on the plus strand (C>A on the coding strand, the complement: F5 is on the minus strand). VCF-style: chr1-169540693-G-T. GRCh37 (hg19) VCF-style: chr1-169509931-G-T.
Other names: short protein forms P1466H.
Identifiers: ClinVar variation 3511293 (VCV003511293.4).

ClinVar aggregate classification (germline): Uncertain significance. Review status: criteria provided, multiple submitters, no conflicts (2 of 4 stars). 4 submissions from 4 submitters: Uncertain significance (4). Last evaluated 2025-09-19.

Conditions:
Congenital factor V deficiency. Also called: LABILE FACTOR DEFICIENCY; OWREN PARAHEMOPHILIA; PARAHEMOPHILIA; Hereditary factor V deficiency disease. Identifiers: Orphanet 326, MedGen C0015499, MONDO:0009210, OMIM 227400.
F5-related disorder. Also called: F5-related condition.
Inborn genetic diseases. Identifiers: MedGen C0950123, MeSH D030342.

gnomAD v4.1: 118 of 1,614,080 alleles (0.0073%); highest among the groups gnomAD compares: Admixed American, 0.15%; 1 homozygote.

Submissions (4):

PreventionGenetics, part of Exact Sciences
Classification: Uncertain significance for F5-related condition. Last evaluated: 2025-09-19. Review status: criteria provided, single submitter. Criteria: ACMG Guidelines, 2015. Collection method: clinical testing. Allele origin: germline.
Comment: The F5 c.4397C>A variant is predicted to result in the amino acid substitution p.Pro1466His. To our knowledge, this variant has not been reported in the literature. This variant is reported in 0.031% of alleles in individuals of Latino descent in gnomAD. At this time, the clinical significance of this variant is uncertain due to the absence of conclusive functional and genetic evidence.

Labcorp Genetics (formerly Invitae), Labcorp
Classification: Uncertain significance for Congenital factor V deficiency. Last evaluated: 2024-12-04. Review status: criteria provided, single submitter. Criteria: Invitae Variant Classification Sherloc (09022015). Collection method: clinical testing. Allele origin: germline.
Comment: This sequence change replaces proline, which is neutral and non-polar, with histidine, which is basic and polar, at codon 1466 of the F5 protein (p.Pro1466His). This variant is present in population databases (rs183082585, gnomAD 0.03%). This variant has not been reported in the literature in individuals affected with F5-related conditions. Invitae Evidence Modeling of protein sequence and biophysical properties (such as structural, functional, and spatial information, amino acid conservation, physicochemical variation, residue mobility, and thermodynamic stability) indicates that this missense variant is not expected to disrupt F5 protein function with a negative predictive value of 80%. In summary, the available evidence is currently insufficient to determine the role of this variant in disease. Therefore, it has been classified as a Variant of Uncertain Significance.

Ambry Genetics
Classification: Uncertain significance for Inborn genetic diseases. Last evaluated: 2024-10-25. Review status: criteria provided, single submitter. Criteria: Ambry Variant Classification Scheme 2023. Collection method: clinical testing. Allele origin: germline.

Blueprint Genetics
Classification: Uncertain significance. Last evaluated: 2021-07-27. Review status: criteria provided, single submitter. Criteria: ACMG Guidelines, 2015. Collection method: clinical testing. Allele origin: germline.